The following is an entry in ClinVar:

NM_001267550.2(TTN):c.99780_99812del (p.Arg33261_Gln33271del)

Genes: TTN (titin; minus strand), TTN-AS1 (TTN antisense RNA 1; plus strand), LOC126806420 (BRD4-independent group 4 enhancer GRCh37_chr2:179401104-179402303; plus strand). Cytogenetic location: 2q31.2.
Variant type: Deletion.
Coding change: c.99780_99812del on transcript NM_001267550.2 (MANE Select); coding-DNA positions 99780 to 99812, 33 bases deleted.
Protein change: p.Arg33261_Gln33271del.
Molecular consequence: inframe deletion. On other transcripts: non-coding transcript variant (1), inframe indel (1).
Genome position (GRCh38, 1-based): chr2:178,537,395-178,537,427, 33 bases deleted; deleting any 33 consecutive bases within chr2:178,537,395-178,537,432 gives the same sequence; the c. name uses the placement nearest the transcript's 3' end. GRCh37 (hg19): chr2:179,402,127-179,402,159.
Other names: c.94857_94889del, p.Arg31620_Gln31630del (NM_001256850.1); c.99775_99807del33, p.Arg33261_Gln33271del (NM_001267550.1); c.72585_72617del, p.Arg24196_Gln24206del (NM_003319.4); c.92076_92108del, p.Arg30693_Gln30703del (NM_133378.4); c.72960_72992del, p.Arg24321_Gln24331del (NM_133432.3); c.73161_73193del, p.Arg24388_Gln24398del (NM_133437.4).
Identifiers: ClinVar variation 2430575 (VCV002430575.1), dbSNP rs2468670396, ClinGen allele CA2580064612.
Genomic context (GRCh38, chr2:178,537,394, plus strand): 5'-TAAAATACCTTGTATTTCCACATCAAGGATGGCATCAACTGTTCCAAAAACATTGCTGAG[CTGGACTTTGTATTTCCCAGCATGAGTCTTACGT>C]TGGACATTCTTCATGACAAGATGAGTATAGTGCTCAGTGTTTTCAATAGTAATGTTTTCT-3'

ClinVar aggregate classification (germline): Likely pathogenic (1 of 4 stars; one submission).

Submission:

GeneDx
Classification: Likely pathogenic. Last evaluated: 2022-08-16. Review status: criteria provided, single submitter. Criteria: GeneDx Variant Classification Process June 2021. Collection method: clinical testing. Allele origin: germline. Affected: yes.
Comment: Has not been previously published as pathogenic or benign to our knowledge; Not observed at significant frequency in large population cohorts (gnomAD); In-frame deletion of 11 amino acids in a non-repeat region; Located in the A-band region of TTN (Herman et al., 2012); In silico analysis supports a deleterious effect on protein structure/function; This variant is associated with the following publications: (PMID: 23975875)